The following is an entry in ClinVar:

NM_138348.6(OTULIN):c.862C>T (p.Gln288Ter)

Gene: OTULIN (OTU deubiquitinase with linear linkage specificity; plus strand). Cytogenetic location: 5p15.2.
Variant type: single nucleotide variant.
Coding change: c.862C>T on transcript NM_138348.6 (MANE Select); coding-DNA position 862, C replaced by T.
Protein change: p.Gln288Ter; replaces glutamine 288 with a stop codon.
Molecular consequence: nonsense.
Genome position (GRCh38, 1-based): chr5:14,690,306, C>T. VCF-style: chr5-14690306-C-T. GRCh37 (hg19) VCF-style: chr5-14690415-C-T.
Other names: short protein forms Q288*.
Identifiers: ClinVar variation 4713408 (VCV004713408.1).
Genomic context (GRCh38, chr5:14,690,306, plus strand): 5'-GACCCAGGACAGCTTCTGAGGAACCACCTCAACCAGGTGGGACACACTGGTGGTCTTGAA[C>T]AGGTAAGTTGTGCTTTTGAGCATGTATTACCCCAAAATAAAGCAGCTTTACTGATCAAAC-3'

ClinVar aggregate classification (germline): Uncertain significance (1 of 4 stars; one submission).

Submission:

Labcorp Genetics (formerly Invitae), Labcorp
Classification: Uncertain significance. Last evaluated: 2025-02-28. Review status: criteria provided, single submitter. Criteria: Invitae Variant Classification Sherloc (09022015). Collection method: clinical testing. Allele origin: germline.
Comment: This sequence change creates a premature translational stop signal (p.Gln288*) in the OTULIN gene. While this is not anticipated to result in nonsense mediated decay, it is expected to disrupt the last 65 amino acid(s) of the OTULIN protein. This variant is not present in population databases (gnomAD no frequency). This variant has not been reported in the literature in individuals affected with OTULIN-related conditions. In summary, the available evidence is currently insufficient to determine the role of this variant in disease. Therefore, it has been classified as a Variant of Uncertain Significance.